The following is an entry in ClinVar:

NM_015335.5(MED13L):c.6017_6035del (p.Gln2006fs)

Gene: MED13L (mediator complex subunit 13L; minus strand). Cytogenetic location: 12q24.21.
Variant type: Deletion.
Coding change: c.6017_6035del on transcript NM_015335.5 (MANE Select); coding-DNA positions 6017 to 6035, 19 bases deleted (AGGTGGCTCCAGCCAACTA).
Protein change: p.Gln2006fs; shifts the reading frame from glutamine 2006.
Molecular consequence: frameshift variant.
Genome position (GRCh38, 1-based): chr12:115,970,626-115,970,644, TAGTTGGCTGGAGCCACCT deleted on the plus strand (AGGTGGCTCCAGCCAACTA on the coding strand, the reverse complement: MED13L is on the minus strand). VCF-style (leftmost placement, unchanged base first): chr12-115970625-GTAGTTGGCTGGAGCCACCT-G. GRCh37 (hg19) VCF-style: chr12-116408430-GTAGTTGGCTGGAGCCACCT-G.
Other names: short protein forms Q2006fs.
Identifiers: ClinVar variation 1805294 (VCV001805294.1), dbSNP rs2499969575, ClinGen allele CA913203531.

ClinVar aggregate classification (germline): Pathogenic (1 of 4 stars; one submission).

Conditions:
Cardiac anomalies - developmental delay - facial dysmorphism syndrome (MRFACD). Also called: MED13L Syndrome; Impaired intellectual development and distinctive facial features with or without cardiac defects. Identifiers: Orphanet 369891, MedGen C5192431, MONDO:0014773, OMIM 616789.

Submission:

Victorian Clinical Genetics Services, Murdoch Childrens Research Institute
Classification: Pathogenic for Cardiac anomalies - developmental delay - facial dysmorphism syndrome. Last evaluated: 2019-08-28. Review status: criteria provided, single submitter. Criteria: ACMG Guidelines, 2015. Collection method: clinical testing. Allele origin: germline. Inheritance: Autosomal dominant inheritance.
Comment: A heterozygous frameshift deletion variant was identified, NM_015335.4(MED13L):c.6017_6035del in exon 27 of 31 of the MED13L gene. This deletion is predicted to cause a frameshift starting at position 2006, introducing a stop codon 30 residues downstream, NP_056150.1(MED13L):p.(Gln2006Profs*31). The variant is predicted to result in a loss of normal protein function through nonsense-mediated decay (NMD). The variant is not present in the gnomAD population database. It has not been previously observed in clinical cases, however, other variants predicted to cause NMD have been reported as pathogenic in individuals with MED13L Haploinsufficiency Syndrome (ClinVar, Cafiero, C. et al. (2015), Snijders Blok, L. et al. (2018)). Based on information available at the time of curation, this variant has been classified as PATHOGENIC.